The following is an entry in ClinVar:

ClinVar aggregate classification (germline): Likely benign (0 of 4 stars; one submission).

Conditions:
ASIP-related condition.

gnomAD v4.1: 167 of 1,613,882 alleles (0.01%); highest among the groups gnomAD compares: African/African-American, 0.17%; no homozygotes.

Submission:

PreventionGenetics, part of Exact Sciences
Classification: Likely benign for ASIP-related condition. Last evaluated: 2024-07-18. Review status: no assertion criteria provided. Collection method: clinical testing. Allele origin: germline.
Comment: This variant is classified as likely benign based on ACMG/AMP sequence variant interpretation guidelines (Richards et al. 2015 PMID: 25741868, with internal and published modifications).

NM_001672.3(ASIP):c.186C>T (p.Ile62=)

Genes: AHCY (adenosylhomocysteinase; minus strand), ASIP (agouti signaling protein; plus strand). Cytogenetic location: 20q11.22.
Variant type: single nucleotide variant.
Coding change: c.186C>T on transcript NM_001672.3 (MANE Select); coding-DNA position 186, C replaced by T.
Protein change: p.Ile62=; no amino-acid change (isoleucine 62 retained).
Molecular consequence: synonymous variant.
Genome position (GRCh38, 1-based): chr20:34,262,857, C>T. VCF-style: chr20-34262857-C-T. GRCh37 (hg19) VCF-style: chr20-32850663-C-T.
Other names: c.186C>T, p.Ile62= (NM_001385218.1).
Identifiers: ClinVar variation 3352708 (VCV003352708.1).